The following is an entry in ClinVar:

NM_013432.5(TONSL):c.490C>G (p.Leu164Val)

Gene: TONSL (tonsoku like, DNA repair protein; minus strand). Cytogenetic location: 8q24.3.
Variant type: single nucleotide variant.
Coding change: c.490C>G on transcript NM_013432.5 (MANE Select); coding-DNA position 490, C replaced by G.
Protein change: p.Leu164Val; replaces leucine 164 with valine.
Molecular consequence: missense variant.
Genome position (GRCh38, 1-based): chr8:144,442,765, G>C on the plus strand (C>G on the coding strand, the complement: TONSL is on the minus strand). VCF-style: chr8-144442765-G-C. GRCh37 (hg19) VCF-style: chr8-145668148-G-C.
Other names: short protein forms L164V.
Identifiers: ClinVar variation 1997245 (VCV001997245.4), dbSNP rs753460752, ClinGen allele CA4943639.

ClinVar aggregate classification (germline): Uncertain significance (1 of 4 stars; one submission).

Allele frequency attached by ClinVar (database versions not stated): gnomAD exomes below 0.00001; ExAC 0.00001.
gnomAD v4.1: 2 of 1,612,858 alleles (0.00012%); highest among the groups gnomAD compares: East Asian, 0.0022%; no homozygotes.

Submission:

Labcorp Genetics (formerly Invitae), Labcorp
Classification: Uncertain significance. Last evaluated: 2025-01-06. Review status: criteria provided, single submitter. Criteria: Invitae Variant Classification Sherloc (09022015). Collection method: clinical testing. Allele origin: germline.
Comment: This sequence change replaces leucine, which is neutral and non-polar, with valine, which is neutral and non-polar, at codon 164 of the TONSL protein (p.Leu164Val). This variant is present in population databases (rs753460752, gnomAD 0.006%). This variant has not been reported in the literature in individuals affected with TONSL-related conditions. ClinVar contains an entry for this variant (Variation ID: 1997245). Invitae Evidence Modeling of protein sequence and biophysical properties (such as structural, functional, and spatial information, amino acid conservation, physicochemical variation, residue mobility, and thermodynamic stability) indicates that this missense variant is expected to disrupt TONSL protein function with a positive predictive value of 80%. In summary, the available evidence is currently insufficient to determine the role of this variant in disease. Therefore, it has been classified as a Variant of Uncertain Significance.